The following is an entry in ClinVar:

ClinVar aggregate classification (germline): Benign. Review status: criteria provided, multiple submitters, no conflicts (2 of 4 stars). 4 submissions from 4 submitters: Benign (4). Last evaluated 2021-07-14.

Conditions:
Long QT syndrome (LQTS). Identifiers: MedGen C0023976, MeSH D008133, MONDO:0002442. Disease mechanism: loss of function. Inheritance: Various modes of inheritance.
Timothy syndrome (TS). Also called: LONG QT SYNDROME WITH SYNDACTYLY. Identifiers: Orphanet 65283, MedGen C1832916, MeSH C536962, MONDO:0010979, OMIM 601005.

Allele frequency attached by ClinVar (database versions not stated): 1000 Genomes Project 30x 0.65287; 1000 Genomes Project 0.65296; TOPMed 0.67720; gnomAD 0.68534 and 0.68961; gnomAD exomes 0.76925.
gnomAD v4.1: 699,136 of 926,002 alleles (76%); highest among the groups gnomAD compares: Admixed American, 84%; 267,862 homozygotes.

Submissions (4):

Genome-Nilou Lab
Classification: Benign for Timothy syndrome. Last evaluated: 2021-07-14. Review status: criteria provided, single submitter. Criteria: ACMG Guidelines, 2015. Collection method: clinical testing. Allele origin: germline. Affected: no.

Labcorp Genetics (formerly Invitae), Labcorp
Classification: Benign for Long QT syndrome. Last evaluated: 2019-12-31. Review status: criteria provided, single submitter. Criteria: Invitae Variant Classification Sherloc (09022015). Collection method: clinical testing. Allele origin: germline.

GeneDx
Classification: Benign. Last evaluated: 2018-06-14. Review status: criteria provided, single submitter. Criteria: GeneDx Variant Classification (06012015). Collection method: clinical testing. Allele origin: germline. Affected: yes.
Comment: This variant is considered likely benign or benign based on one or more of the following criteria: it is a conservative change, it occurs at a poorly conserved position in the protein, it is predicted to be benign by multiple in silico algorithms, and/or has population frequency not consistent with disease.

Breakthrough Genomics
Classification: Benign. Review status: criteria provided, single submitter. Criteria: ACMG Guidelines, 2015. Collection method: not provided. Allele origin: germline. Inheritance: Autosomal dominant inheritance. Affected: yes.

NM_000719.7(CACNA1C):c.3945+109C>T

Gene: CACNA1C (calcium voltage-gated channel subunit alpha1 C; plus strand). Cytogenetic location: 12p13.33.
Variant type: single nucleotide variant.
Coding change: c.3945+109C>T on transcript NM_000719.7 (MANE Select); 109 bases into the intron after coding-DNA position 3945, C replaced by T.
Molecular consequence: intron variant.
Genome position (GRCh38, 1-based): chr12:2,648,616, C>T. VCF-style: chr12-2648616-C-T. GRCh37 (hg19) VCF-style: chr12-2757782-C-T.
Other names: c.3945+109C>T (NM_001167624.3, NM_001167623.2, NM_001129840.2 and 8 more transcripts); c.3913-3024C>T (NM_001167625.2, NM_001129837.2, NM_001129838.2 and 1 more transcripts); c.4089+109C>T (NM_199460.4, NM_001129827.2); c.4005+109C>T (NM_001129832.2); c.4029+109C>T (NM_001129831.2); c.3907-3024C>T (NM_001129839.2); c.3997-3024C>T (NM_001129836.2); c.3936+109C>T (NM_001129844.2).
Identifiers: ClinVar variation 671808 (VCV000671808.9), dbSNP rs2239129, ClinGen allele CA13611119.